The following is an entry in ClinVar:

ClinVar aggregate classification (germline): Uncertain significance. Review status: criteria provided, multiple submitters, no conflicts (2 of 4 stars). 2 submissions from 2 submitters: Uncertain significance (2). Last evaluated 2025-05-28.

Conditions:
Cowden syndrome (CS). Also called: Cowden's disease; Cowden's syndrome; Cowden disease. Identifiers: Orphanet 201, MedGen C0018553, MONDO:0016063. Disease mechanism: gain of function.
Inborn genetic diseases. Identifiers: MedGen C0950123, MeSH D030342.

Allele frequency attached by ClinVar (database versions not stated): TOPMed below 0.00001; gnomAD 0.00001; gnomAD exomes below 0.00001.
gnomAD v4.1: 3 of 1,612,504 alleles (0.00019%); highest among the groups gnomAD compares: Non-Finnish European, 0.00017%; no homozygotes.

Submissions (2):

Ambry Genetics
Classification: Uncertain significance for Inborn genetic diseases. Last evaluated: 2025-05-28. Review status: criteria provided, single submitter. Criteria: Ambry Variant Classification Scheme 2023. Collection method: clinical testing. Allele origin: germline.

Labcorp Genetics (formerly Invitae), Labcorp
Classification: Uncertain significance for Cowden syndrome. Last evaluated: 2023-01-17. Review status: criteria provided, single submitter. Criteria: Invitae Variant Classification Sherloc (09022015). Collection method: clinical testing. Allele origin: germline.
Comment: In summary, the available evidence is currently insufficient to determine the role of this variant in disease. Therefore, it has been classified as a Variant of Uncertain Significance. Algorithms developed to predict the effect of missense changes on protein structure and function (SIFT, PolyPhen-2, Align-GVGD) all suggest that this variant is likely to be tolerated. ClinVar contains an entry for this variant (Variation ID: 947186). This variant has not been reported in the literature in individuals affected with PIK3CA-related conditions. This variant is present in population databases (no rsID available, gnomAD 0.0009%). This sequence change replaces serine, which is neutral and polar, with asparagine, which is neutral and polar, at codon 332 of the PIK3CA protein (p.Ser332Asn).

NM_006218.4(PIK3CA):c.995G>A (p.Ser332Asn)

Gene: PIK3CA (phosphatidylinositol-4,5-bisphosphate 3-kinase catalytic subunit alpha; plus strand). Cytogenetic location: 3q26.32.
Variant type: single nucleotide variant.
Coding change: c.995G>A on transcript NM_006218.4 (MANE Select); coding-DNA position 995, G replaced by A.
Protein change: p.Ser332Asn; replaces serine 332 with asparagine.
Molecular consequence: missense variant.
Genome position (GRCh38, 1-based): chr3:179,203,725, G>A. VCF-style: chr3-179203725-G-A. GRCh37 (hg19) VCF-style: chr3-178921513-G-A.
Other names: short protein forms S332N.
Identifiers: ClinVar variation 947186 (VCV000947186.13), dbSNP rs1262394031, ClinGen allele CA355281155.